The following is an entry in ClinVar:

NM_000548.5(TSC2):c.3641A>G (p.Asn1214Ser)

Gene: TSC2 (TSC complex subunit 2; plus strand). Cytogenetic location: 16p13.3.
Variant type: single nucleotide variant.
Coding change: c.3641A>G on transcript NM_000548.5 (MANE Select); coding-DNA position 3641, A replaced by G.
Protein change: p.Asn1214Ser; replaces asparagine 1214 with serine.
Molecular consequence: missense variant. On other transcripts: non-coding transcript variant (5).
Genome position (GRCh38, 1-based): chr16:2,081,625, A>G. VCF-style: chr16-2081625-A-G. GRCh37 (hg19) VCF-style: chr16-2131626-A-G.
Other names: c.3509A>G, p.Asn1170Ser (NM_001077183.3, NM_001370404.1, NM_001406665.1); c.3641A>G, p.Asn1214Ser (NM_001114382.3); c.3401A>G, p.Asn1134Ser (NM_001318827.2); c.3365A>G, p.Asn1122Ser (NM_001318829.2); c.2909A>G, p.Asn970Ser (NM_001318831.2, NM_001406687.1, NM_001406688.1); c.3542A>G, p.Asn1181Ser (NM_001318832.2); c.3512A>G, p.Asn1171Ser (NM_001363528.2, NM_001370405.1, NM_021055.3); c.3638A>G, p.Asn1213Ser (NM_001406663.1, NM_001406664.1); and 18 more; short protein forms N1013S, N1014S, N1017S, N1121S, N1122S, N1133S, N1134S, N1151S.
Identifiers: ClinVar variation 4866120 (VCV004866120.1).

ClinVar aggregate classification (germline): Uncertain significance (1 of 4 stars; one submission).

Conditions:
Hereditary cancer-predisposing syndrome. Also called: Neoplastic Syndromes, Hereditary; Tumor predisposition; Hereditary Cancer Syndrome; Hereditary neoplastic syndrome. Identifiers: Orphanet 140162, MedGen C0027672, MeSH D009386, MONDO:0015356.

gnomAD v4.1: 1 of 1,612,822 alleles (0.000062%); highest among the groups gnomAD compares: Non-Finnish European, 0.000085%; no homozygotes.

Submission:

Ambry Genetics
Classification: Uncertain significance for Hereditary cancer-predisposing syndrome. Last evaluated: 2026-05-17. Review status: criteria provided, single submitter. Criteria: Ambry Variant Classification Scheme 2023. Collection method: clinical testing. Allele origin: germline.
Comment: The p.N1214S variant (also known as c.3641A>G), located in coding exon 30 of the TSC2 gene, results from an A to G substitution at nucleotide position 3641. The asparagine at codon 1214 is replaced by serine, an amino acid with highly similar properties. This amino acid position is conserved. In addition, the in silico prediction for this alteration is inconclusive. Based on the available evidence, the clinical significance of this variant remains unclear.